The following is an entry in ClinVar:

ClinVar aggregate classification (germline): Uncertain significance (1 of 4 stars; one submission).

Submission:

GeneDx
Classification: Uncertain significance. Last evaluated: 2023-10-31. Review status: criteria provided, single submitter. Criteria: GeneDx Variant Classification Process June 2021. Collection method: clinical testing. Allele origin: germline. Affected: yes.
Comment: Not observed at significant frequency in large population cohorts (gnomAD); In silico analysis supports that this missense variant has a deleterious effect on protein structure/function; Has not been previously published as pathogenic or benign to our knowledge

NM_003070.5(SMARCA2):c.1150C>T (p.Arg384Trp)

Gene: SMARCA2 (SWI/SNF related BAF chromatin remodeling complex subunit ATPase 2; plus strand). Cytogenetic location: 9p24.3.
Variant type: single nucleotide variant.
Coding change: c.1150C>T on transcript NM_003070.5 (MANE Select); coding-DNA position 1150, C replaced by T.
Protein change: p.Arg384Trp; replaces arginine 384 with tryptophan.
Molecular consequence: missense variant.
Genome position (GRCh38, 1-based): chr9:2,054,700, C>T. VCF-style: chr9-2054700-C-T. GRCh37 (hg19) VCF-style: chr9-2054700-C-T.
Other names: c.1150C>T, p.Arg384Trp (NM_001289396.2, NM_001289397.2, NM_139045.4); short protein forms R384W.
Identifiers: ClinVar variation 3363682 (VCV003363682.1).